The following is an entry in ClinVar:

ClinVar aggregate classification (germline): Uncertain significance (1 of 4 stars; one submission).

Submission:

Ambry Genetics
Classification: Uncertain significance. Last evaluated: 2024-09-30. Review status: criteria provided, single submitter. Criteria: Ambry Variant Classification Scheme 2023. Collection method: clinical testing. Allele origin: germline.
Comment: The p.T503S variant (also known as c.1508C>G), located in coding exon 1 of the MLH3 gene, results from a C to G substitution at nucleotide position 1508. The threonine at codon 503 is replaced by serine, an amino acid with similar properties. This amino acid position is conserved. In addition, this alteration is predicted to be tolerated by in silico analysis. Based on the available evidence, the clinical significance of this variant remains unclear.

NM_001040108.2(MLH3):c.1508C>G (p.Thr503Ser)

Gene: MLH3 (mutL homolog 3; minus strand). Cytogenetic location: 14q24.3.
Variant type: single nucleotide variant.
Coding change: c.1508C>G on transcript NM_001040108.2 (MANE Select); coding-DNA position 1508, C replaced by G.
Protein change: p.Thr503Ser; replaces threonine 503 with serine.
Molecular consequence: missense variant.
Genome position (GRCh38, 1-based): chr14:75,048,148, G>C on the plus strand (C>G on the coding strand, the complement: MLH3 is on the minus strand). VCF-style: chr14-75048148-G-C. GRCh37 (hg19) VCF-style: chr14-75514851-G-C.
Other names: c.1508C>G, p.Thr503Ser (NM_014381.3); short protein forms T503S.
Identifiers: ClinVar variation 3396732 (VCV003396732.1).